The following continues an entry in ClinVar:

NM_000257.4(MYH7):c.2681A>G (p.Glu894Gly)

Gene: MYH7. ClinVar aggregate classification (germline): Pathogenic. Pathogenic (1).

Submissions 16 to 17 of 17:

Agnes Ginges Centre for Molecular Cardiology, Centenary Institute
Classification: Pathogenic for Hypertrophic cardiomyopathy 1. Last evaluated: 2017-04-10. Review status: criteria provided, single submitter. Criteria: Agnes Ginges Centre for Molecular Cardiology criteria (2015). Collection method: research. Allele origin: germline. Inheritance: Autosomal dominant inheritance. Affected: yes. Not counted in ClinVar's aggregate classification.
Comment: This MYH7 Glu894Gly variant has previously been identified in multiple HCM cohorts (Yu B, et al., 2005; Gruner C, et al., 2011; Lopes LR, et al., 2013; Kapplinger JD, et al., 2014; Walsh R et al., 2017). This variant was first described by Van Driest et al. (2004) in multiple HCM patients, one of whom was a carrier of a second variant in MYBPC3 and presented with a more severe phenotype (Van Driest SL, et al., 2004). The MYH7 Glu894Gly variant is extremely rare in the general population; it is absent in both the 1000 genomes project, as well as the Exome Aggregation Consortium dataset. We have identified this variant in 7 HCM probands in our cohort. Genetic analysis was available for 2 families. In one family the variant was shown to co-segregate with disease in 4 affected members. This family also carries a VUS (TNNT2 Arg278Cys). In the second family the variant was found to segregate to one other affected family member (5 meioses in total). Computational tools SIFT, PolyPhen-2 and MutationTaster predict the Glu894Gly variant to be deleterious. Additionally, Polyphen-HCM (Jordan DM, et al., 2011) predicts that MYH7 Glu894Gly is deleterious. Furthermore, we have recently published ancestry studies to show our unrelated probands share a common haplotype, suggesting this may be a founder in the Australian population (Ross SB et al. 2017). Based on this data we classify MYH7 Glu894Gly as "pathogenic".

Stanford Center for Inherited Cardiovascular Disease, Stanford University
Classification: Likely pathogenic. Last evaluated: 2014-08-27. Review status: criteria provided, single submitter. Criteria: ACMG Guidelines, 2015. Collection method: provider interpretation. Allele origin: germline. Not counted in ClinVar's aggregate classification.

Literature cited by the submitters: PubMed 27532257 (cited by 6 submitters); PubMed 29300372 (cited by 5 submitters); PubMed 15358028 (cited by 6 submitters); PubMed 15858117 (cited by 6 submitters); PubMed 21511876 (cited by 6 submitters); PubMed 26914223 (cited by 3 submitters); PubMed 24714796 (cited by Victorian Clinical Genetics Services, Murdoch Childrens Research Institute); PubMed 15519027 (cited by 4 submitters); PubMed 23396983 (cited by 5 submitters); PubMed 24793961 (cited by 3 submitters); PubMed 25351510 (cited by All of Us Research Program, National Institutes of Health and Color Diagnostics, LLC DBA Color Health); PubMed 28408708 (cited by All of Us Research Program, National Institutes of Health and Color Diagnostics, LLC DBA Color Health); PubMed 28615295 (cited by 3 submitters); PubMed 28790153 (cited by All of Us Research Program, National Institutes of Health and Color Diagnostics, LLC DBA Color Health); PubMed 32228044 (cited by All of Us Research Program, National Institutes of Health and Color Diagnostics, LLC DBA Color Health); PubMed 32894683 (cited by All of Us Research Program, National Institutes of Health and Color Diagnostics, LLC DBA Color Health); PubMed 33495597 (cited by All of Us Research Program, National Institutes of Health and Color Diagnostics, LLC DBA Color Health); PubMed 34556856 (cited by All of Us Research Program, National Institutes of Health and Color Diagnostics, LLC DBA Color Health); PubMed 35026164 (cited by All of Us Research Program, National Institutes of Health and Color Diagnostics, LLC DBA Color Health); PubMed 37821546 (cited by All of Us Research Program, National Institutes of Health and Color Diagnostics, LLC DBA Color Health); PubMed 24510615 (cited by 3 submitters); PubMed 18761664 (cited by Laboratory for Molecular Medicine, Mass General Brigham Personalized Medicine and Agnes Ginges Centre for Molecular Cardiology, Centenary Institute).